The following is an entry in ClinVar:

NM_018100.4(EFHC1):c.1363C>T (p.Pro455Ser)

Gene: EFHC1 (EF-hand domain containing 1; plus strand). Cytogenetic location: 6p12.2.
Variant type: single nucleotide variant.
Coding change: c.1363C>T on transcript NM_018100.4 (MANE Select); coding-DNA position 1363, C replaced by T.
Protein change: p.Pro455Ser; replaces proline 455 with serine.
Molecular consequence: missense variant. On other transcripts: non-coding transcript variant (1).
Genome position (GRCh38, 1-based): chr6:52,479,121, C>T. VCF-style: chr6-52479121-C-T. GRCh37 (hg19) VCF-style: chr6-52343919-C-T.
Other names: c.1306C>T, p.Pro436Ser (NM_001172420.2); short protein forms P436S, P455S.
Identifiers: ClinVar variation 860506 (VCV000860506.11), dbSNP rs1765610823, ClinGen allele CA364457277.

ClinVar aggregate classification (germline): Uncertain significance (1 of 4 stars; one submission).

Conditions:
Absence seizure. Also called: Absence epilepsy. Identifiers: Orphanet 1941, MedGen C0014553.
Myoclonic epilepsy, juvenile, susceptibility to, 1. Also called: Myoclonic Epilepsy, Juvenile, 1; EJM1. Identifiers: MedGen C1850778, MONDO:0020752, OMIM 254770.

Submission:

Labcorp Genetics (formerly Invitae), Labcorp
Classification: Uncertain significance for Myoclonic epilepsy, juvenile, susceptibility to, 1; Absence seizure. Last evaluated: 2019-04-15. Review status: criteria provided, single submitter. Criteria: Invitae Variant Classification Sherloc (09022015). Collection method: clinical testing. Allele origin: germline.
Comment: In summary, the available evidence is currently insufficient to determine the role of this variant in disease. Therefore, it has been classified as a Variant of Uncertain Significance. Algorithms developed to predict the effect of missense changes on protein structure and function are either unavailable or do not agree on the potential impact of this missense change (SIFT: "Tolerated"; PolyPhen-2: "Possibly Damaging"; Align-GVGD: "Class C0"). This variant has not been reported in the literature in individuals with EFHC1-related conditions. This variant is not present in population databases (ExAC no frequency). This sequence change replaces proline with serine at codon 455 of the EFHC1 protein (p.Pro455Ser). The proline residue is highly conserved and there is a moderate physicochemical difference between proline and serine.